The following is an entry in ClinVar:

ClinVar aggregate classification (germline): Likely benign. Review status: criteria provided, multiple submitters, no conflicts (2 of 4 stars). 3 submissions from 3 submitters: Likely benign (2). 1 of the submissions does not count toward it. Last evaluated 2025-10-27.

Conditions:
MAT2A-related disorder. Also called: MAT2A-related condition.
Cardiovascular phenotype. Identifiers: MedGen CN230736.

Allele frequency attached by ClinVar (database versions not stated): gnomAD exomes below 0.00001; ExAC 0.00001.

Submissions (3):

Ambry Genetics
Classification: Likely benign for Cardiovascular phenotype. Last evaluated: 2025-10-27. Review status: criteria provided, single submitter. Criteria: Ambry Variant Classification Scheme 2023. Collection method: clinical testing. Allele origin: germline.

GeneDx
Classification: Likely benign. Last evaluated: 2017-03-22. Review status: criteria provided, single submitter. Criteria: GeneDx Variant Classification (06012015). Collection method: clinical testing. Allele origin: germline. Affected: yes.
Comment: This variant is considered likely benign or benign based on one or more of the following criteria: it is a conservative change, it occurs at a poorly conserved position in the protein, it is predicted to be benign by multiple in silico algorithms, and/or has population frequency not consistent with disease.

PreventionGenetics, part of Exact Sciences
Classification: Likely benign for MAT2A-related condition. Last evaluated: 2020-12-22. Review status: no assertion criteria provided. Collection method: clinical testing. Allele origin: germline. Not counted in ClinVar's aggregate classification.
Comment: This variant is classified as likely benign based on ACMG/AMP sequence variant interpretation guidelines (Richards et al. 2015 PMID: 25741868, with internal and published modifications).

NM_005911.6(MAT2A):c.843C>T (p.Ala281=)

Genes: GGCX (gamma-glutamyl carboxylase; minus strand), MAT2A (methionine adenosyltransferase 2A; plus strand). Cytogenetic location: 2p11.2.
Variant type: single nucleotide variant.
Coding change: c.843C>T on transcript NM_005911.6 (MANE Select); coding-DNA position 843, C replaced by T.
Protein change: p.Ala281=; no amino-acid change (alanine 281 retained).
Molecular consequence: synonymous variant.
Genome position (GRCh38, 1-based): chr2:85,542,639, C>T. VCF-style: chr2-85542639-C-T. GRCh37 (hg19) VCF-style: chr2-85769762-C-T.
Identifiers: ClinVar variation 508371 (VCV000508371.4), dbSNP rs757983240, ClinGen allele CA1741500.